The following is an entry in ClinVar:

NM_000081.4(LYST):c.1848C>T (p.Asn616=)

Gene: LYST (lysosomal trafficking regulator; minus strand). Cytogenetic location: 1q42.3.
Variant type: single nucleotide variant.
Coding change: c.1848C>T on transcript NM_000081.4 (MANE Select); coding-DNA position 1848, C replaced by T.
Protein change: p.Asn616=; no amino-acid change (asparagine 616 retained).
Molecular consequence: synonymous variant.
Genome position (GRCh38, 1-based): chr1:235,808,970, G>A on the plus strand (C>T on the coding strand, the complement: LYST is on the minus strand). VCF-style: chr1-235808970-G-A. GRCh37 (hg19) VCF-style: chr1-235972270-G-A.
Other names: p.Asn616=; c.1848C>T, p.Asn616= (NM_001301365.1).
Identifiers: ClinVar variation 211406 (VCV000211406.18), dbSNP rs376259384, ClinGen allele CA207329.

ClinVar aggregate classification (germline): Conflicting classifications of pathogenicity. Review status: criteria provided, conflicting classifications (1 of 4 stars). 5 submissions from 5 submitters: Uncertain significance (2); Likely benign (3). Last evaluated 2025-09-08.

Conditions:
Autoinflammatory syndrome. Identifiers: Orphanet 93665, MedGen C3890737, MONDO:0019751.
Chédiak-Higashi syndrome (CHS). Also called: Chediak-Higashi Syndrome. Identifiers: Orphanet 167, MedGen C0007965, MONDO:0008963, OMIM 214500.

Allele frequency attached by ClinVar (database versions not stated): gnomAD exomes 0.00002; ExAC 0.00003; TOPMed 0.00004; ESP Exome Variant Server 0.00008; gnomAD 0.00001.
gnomAD v4.1: 34 of 1,613,898 alleles (0.0021%); highest among the groups gnomAD compares: Middle Eastern, 0.016%; no homozygotes.

Submissions (5):

Mayo Clinic Laboratories, Mayo Clinic
Classification: Likely benign. Last evaluated: 2025-09-08. Review status: criteria provided, single submitter. Criteria: ACMG Guidelines, 2015. Collection method: clinical testing. Allele origin: germline. Observed: 2 variant alleles.
Comment: BP4, BP7

Labcorp Genetics (formerly Invitae), Labcorp
Classification: Likely benign for Chédiak-Higashi syndrome. Last evaluated: 2025-08-02. Review status: criteria provided, single submitter. Criteria: Invitae Variant Classification Sherloc (09022015). Collection method: clinical testing. Allele origin: germline.

Blueprint Genetics
Classification: Likely benign. Last evaluated: 2021-11-18. Review status: criteria provided, single submitter. Criteria: ACMG Guidelines, 2015. Collection method: clinical testing. Allele origin: germline.

Genome Diagnostics Laboratory, The Hospital for Sick Children
Classification: Uncertain significance for Autoinflammatory syndrome. Last evaluated: 2020-07-21. Review status: criteria provided, single submitter. Criteria: ACMG Guidelines, 2015. Collection method: clinical testing. Allele origin: germline. Affected: yes.

Genetic Services Laboratory, University of Chicago
Classification: Uncertain significance. Last evaluated: 2015-03-09. Review status: criteria provided, single submitter. Criteria: ACMG Guidelines, 2015. Collection method: clinical testing. Allele origin: germline.